The following is an entry in ClinVar:

ClinVar aggregate classification (germline): Uncertain significance (1 of 4 stars; one submission).

Allele frequency attached by ClinVar (database versions not stated): ExAC 0.00009; gnomAD exomes 0.00013 and 0.00016; gnomAD 0.00019 and 0.00031; TOPMed 0.00028; ESP Exome Variant Server 0.00038.
gnomAD v4.1: 235 of 1,613,778 alleles (0.015%); highest among the groups gnomAD compares: Admixed American, 0.057%; no homozygotes.

Submission:

Labcorp Genetics (formerly Invitae), Labcorp
Classification: Uncertain significance. Last evaluated: 2025-07-10. Review status: criteria provided, single submitter. Criteria: Invitae Variant Classification Sherloc (09022015). Collection method: clinical testing. Allele origin: germline.
Comment: This sequence change replaces asparagine, which is neutral and polar, with serine, which is neutral and polar, at codon 503 of the IL17RD protein (p.Asn503Ser). This variant is present in population databases (rs149567988, gnomAD 0.06%), and has an allele count higher than expected for a pathogenic variant. This missense change has been observed in individual(s) with Kallmann syndrome (PMID: 35669683). ClinVar contains an entry for this variant (Variation ID: 1507691). Invitae Evidence Modeling of protein sequence and biophysical properties (such as structural, functional, and spatial information, amino acid conservation, physicochemical variation, residue mobility, and thermodynamic stability) indicates that this missense variant is not expected to disrupt IL17RD protein function with a negative predictive value of 80%. In summary, the available evidence is currently insufficient to determine the role of this variant in disease. Therefore, it has been classified as a Variant of Uncertain Significance.

Literature cited by the submitters: PubMed 35669683.

NM_017563.5(IL17RD):c.1508A>G (p.Asn503Ser)

Genes: IL17RD (interleukin 17 receptor D; minus strand), LOC126806689 (BRD4-independent group 4 enhancer GRCh37_chr3:57131244-57132443; plus strand). Cytogenetic location: 3p14.3.
Variant type: single nucleotide variant.
Coding change: c.1508A>G on transcript NM_017563.5 (MANE Select); coding-DNA position 1508, A replaced by G.
Protein change: p.Asn503Ser; replaces asparagine 503 with serine.
Molecular consequence: missense variant.
Genome position (GRCh38, 1-based): chr3:57,098,195, T>C on the plus strand (A>G on the coding strand, the complement: IL17RD is on the minus strand). VCF-style: chr3-57098195-T-C. GRCh37 (hg19) VCF-style: chr3-57132223-T-C.
Other names: c.1076A>G, p.Asn359Ser (NM_001318864.2); short protein forms N359S, N503S.
Identifiers: ClinVar variation 1507691 (VCV001507691.6), dbSNP rs149567988, ClinGen allele CA2462720.